The following is an entry in ClinVar:

NM_003002.4(SDHD):c.17G>A (p.Arg6Lys)

Genes: SDHD (succinate dehydrogenase complex subunit D; plus strand), LOC126861339 (BRD4-independent group 4 enhancer GRCh37_chr11:111957035-111958234; plus strand). Cytogenetic location: 11q23.1.
Variant type: single nucleotide variant.
Coding change: c.17G>A on transcript NM_003002.4 (MANE Select); coding-DNA position 17, G replaced by A.
Protein change: p.Arg6Lys; replaces arginine 6 with lysine.
Molecular consequence: missense variant. On other transcripts: non-coding transcript variant (1).
Genome position (GRCh38, 1-based): chr11:112,086,924, G>A. VCF-style: chr11-112086924-G-A. GRCh37 (hg19) VCF-style: chr11-111957648-G-A.
Other names: c.17G>A, p.Arg6Lys (NM_001276503.2, NM_001276504.2, NM_001276506.2); short protein forms R6K.
Identifiers: ClinVar variation 1780372 (VCV001780372.9), dbSNP rs770924084, ClinGen allele CA070801.

ClinVar aggregate classification (germline): Uncertain significance. Review status: criteria provided, multiple submitters, no conflicts (2 of 4 stars). 2 submissions from 2 submitters: Uncertain significance (2). Last evaluated 2025-09-10.

Conditions:
Hereditary cancer-predisposing syndrome. Also called: Neoplastic Syndromes, Hereditary; Tumor predisposition; Hereditary Cancer Syndrome; Hereditary neoplastic syndrome. Identifiers: Orphanet 140162, MedGen C0027672, MeSH D009386, MONDO:0015356.
Pheochromocytoma. Also called: MAX-Related Hereditary Paraganglioma-Pheochromocytoma Syndrome. Identifiers: Orphanet 29072, MedGen C0031511, MONDO:0008233, OMIM 171300, HP:0002666.
Carney-Stratakis syndrome. Also called: PARAGANGLIOMA AND GASTROINTESTINAL STROMAL TUMOR. Identifiers: Orphanet 97286, MedGen C1847319, MONDO:0011740, OMIM 606864.
Cowden syndrome 3 (CWS3). Identifiers: Orphanet 201, MedGen CN166604, MONDO:0014045.
Paragangliomas with sensorineural hearing loss. Identifiers: MedGen C1868633.

Allele frequency attached by ClinVar (database versions not stated): gnomAD exomes below 0.00001; ExAC 0.00001.
gnomAD v4.1: 1 of 1,614,248 alleles (0.000062%); highest among the groups gnomAD compares: Admixed American, 0.0017%; no homozygotes.

Submissions (2):

Ambry Genetics
Classification: Uncertain significance for Hereditary cancer-predisposing syndrome. Last evaluated: 2025-09-10. Review status: criteria provided, single submitter. Criteria: Ambry Variant Classification Scheme 2023. Collection method: clinical testing. Allele origin: germline.
Comment: The p.R6K variant (also known as c.17G>A), located in coding exon 1 of the SDHD gene, results from a G to A substitution at nucleotide position 17. The arginine at codon 6 is replaced by lysine, an amino acid with highly similar properties. This amino acid position is well conserved in available vertebrate species; however, lysine is the reference amino acid in other vertebrate species. In addition, the in silico prediction for this alteration is inconclusive. Since supporting evidence is limited at this time, the clinical significance of this alteration remains unclear.

Labcorp Genetics (formerly Invitae), Labcorp
Classification: Uncertain significance for Carney-Stratakis syndrome; Paragangliomas with sensorineural hearing loss; Pheochromocytoma; Cowden syndrome 3. Last evaluated: 2025-06-25. Review status: criteria provided, single submitter. Criteria: Invitae Variant Classification Sherloc (09022015). Collection method: clinical testing. Allele origin: germline.
Comment: This sequence change replaces arginine, which is basic and polar, with lysine, which is basic and polar, at codon 6 of the SDHD protein (p.Arg6Lys). This variant is present in population databases (rs770924084, gnomAD 0.003%). This variant has not been reported in the literature in individuals affected with SDHD-related conditions. ClinVar contains an entry for this variant (Variation ID: 1780372). Invitae Evidence Modeling of protein sequence and biophysical properties (such as structural, functional, and spatial information, amino acid conservation, physicochemical variation, residue mobility, and thermodynamic stability) indicates that this missense variant is not expected to disrupt SDHD protein function with a negative predictive value of 80%. In summary, the available evidence is currently insufficient to determine the role of this variant in disease. Therefore, it has been classified as a Variant of Uncertain Significance.